The following is an entry in ClinVar:

ClinVar aggregate classification (germline): Uncertain significance (1 of 4 stars; one submission).

Conditions:
Renal cell carcinoma. Identifiers: Orphanet 217071, MedGen C0007134, MeSH D002292, MONDO:0005086, HP:0005584.

Submission:

Labcorp Genetics (formerly Invitae), Labcorp
Classification: Uncertain significance for Renal cell carcinoma. Last evaluated: 2022-12-06. Review status: criteria provided, single submitter. Criteria: Invitae Variant Classification Sherloc (09022015). Collection method: clinical testing. Allele origin: germline.
Comment: This sequence change replaces aspartic acid, which is acidic and polar, with glycine, which is neutral and non-polar, at codon 1020 of the MET protein (p.Asp1020Gly). In summary, the available evidence is currently insufficient to determine the role of this variant in disease. Therefore, it has been classified as a Variant of Uncertain Significance. Advanced modeling of protein sequence and biophysical properties (such as structural, functional, and spatial information, amino acid conservation, physicochemical variation, residue mobility, and thermodynamic stability) has been performed at Invitae for this missense variant, however the output from this modeling did not meet the statistical confidence thresholds required to predict the impact of this variant on MET protein function. ClinVar contains an entry for this variant (Variation ID: 953504). This variant has not been reported in the literature in individuals affected with MET-related conditions. This variant is not present in population databases (gnomAD no frequency).

NM_000245.4(MET):c.3005A>G (p.Asp1002Gly)

Gene: MET (MET proto-oncogene, receptor tyrosine kinase; plus strand). Cytogenetic location: 7q31.2.
Variant type: single nucleotide variant.
Coding change: c.3005A>G on transcript NM_000245.4 (MANE Select); coding-DNA position 3005, A replaced by G.
Protein change: p.Asp1002Gly; replaces aspartic acid 1002 with glycine.
Molecular consequence: missense variant.
Genome position (GRCh38, 1-based): chr7:116,771,966, A>G. VCF-style: chr7-116771966-A-G. GRCh37 (hg19) VCF-style: chr7-116412020-A-G.
Other names: c.3059A>G, p.Asp1020Gly (NM_001127500.3); c.1715A>G, p.Asp572Gly (NM_001324402.2); short protein forms D1002G, D1020G, D572G.
Identifiers: ClinVar variation 953504 (VCV000953504.9), dbSNP rs1794850672, ClinGen allele CA368987428.
Genomic context (GRCh38, chr7:116,771,966, plus strand): 5'-GGCTTGTAAGTGCCCGAAGTGTAAGCCCAACTACAGAAATGGTTTCAAATGAATCTGTAG[A>G]CTACCGAGCTACTTTTCCAGAAGGTATATTTCAGTTTATTGTTCTGAGAAATACCTATAC-3'
Protein context (NP_000236.2, residues 992-1012): TTEMVSNESV[Asp1002Gly]YRATFPEDQF